The following is an entry in ClinVar:

ClinVar aggregate classification (germline): Uncertain significance (1 of 4 stars; one submission).

Allele frequency attached by ClinVar (database versions not stated): gnomAD exomes 0.00001; gnomAD 0.00002; TOPMed 0.00002.
gnomAD v4.1: 11 of 1,614,120 alleles (0.00068%); highest among the groups gnomAD compares: African/African-American, 0.0067%; no homozygotes.

Submission:

Labcorp Genetics (formerly Invitae), Labcorp
Classification: Uncertain significance. Last evaluated: 2023-12-02. Review status: criteria provided, single submitter. Criteria: Invitae Variant Classification Sherloc (09022015). Collection method: clinical testing. Allele origin: germline.
Comment: This sequence change replaces arginine, which is basic and polar, with glycine, which is neutral and non-polar, at codon 459 of the HPS3 protein (p.Arg459Gly). This variant is present in population databases (no rsID available, gnomAD 0.007%). This variant has not been reported in the literature in individuals affected with HPS3-related conditions. ClinVar contains an entry for this variant (Variation ID: 1975661). Advanced modeling of protein sequence and biophysical properties (such as structural, functional, and spatial information, amino acid conservation, physicochemical variation, residue mobility, and thermodynamic stability) performed at Invitae indicates that this missense variant is expected to disrupt HPS3 protein function with a positive predictive value of 80%. In summary, the available evidence is currently insufficient to determine the role of this variant in disease. Therefore, it has been classified as a Variant of Uncertain Significance.

NM_032383.5(HPS3):c.1375A>G (p.Arg459Gly)

Gene: HPS3 (HPS3 biogenesis of lysosomal organelles complex 2 subunit 1; plus strand). Cytogenetic location: 3q24.
Variant type: single nucleotide variant.
Coding change: c.1375A>G on transcript NM_032383.5 (MANE Select); coding-DNA position 1375, A replaced by G.
Protein change: p.Arg459Gly; replaces arginine 459 with glycine.
Molecular consequence: missense variant.
Genome position (GRCh38, 1-based): chr3:149,153,623, A>G. VCF-style: chr3-149153623-A-G. GRCh37 (hg19) VCF-style: chr3-148871410-A-G.
Other names: c.880A>G, p.Arg294Gly (NM_001308258.2); short protein forms R294G, R459G.
Identifiers: ClinVar variation 1975661 (VCV001975661.3), dbSNP rs927043897, ClinGen allele CA85504461.
Genomic context (GRCh38, chr3:149,153,623, plus strand): 5'-TGTCACTTTAAAAACCACATCATACTTTTGACTAAAGCAGAACCTGAAGCCATTCCAGAG[A>G]GAAGACAGTCACCCAAGAGGCTTCTGTAAGCATCCCCTTGCCCCAGGCATTCCTGCCAGT-3'
Protein context (NP_115759.2, residues 449-469): TKAEPEAIPE[Arg459Gly]RQSPKRLLSR